The following is an entry in ClinVar:

NM_005068.3(SIM1):c.1591G>T (p.Asp531Tyr)

Gene: SIM1 (SIM bHLH transcription factor 1; minus strand). Cytogenetic location: 6q16.3.
Variant type: single nucleotide variant.
Coding change: c.1591G>T on transcript NM_005068.3 (MANE Select); coding-DNA position 1591, G replaced by T.
Protein change: p.Asp531Tyr; replaces aspartic acid 531 with tyrosine.
Molecular consequence: missense variant.
Genome position (GRCh38, 1-based): chr6:100,391,071, C>A on the plus strand (G>T on the coding strand, the complement: SIM1 is on the minus strand). VCF-style: chr6-100391071-C-A. GRCh37 (hg19) VCF-style: chr6-100838947-C-A.
Other names: c.1591G>T, p.Asp531Tyr (NM_001374769.1); short protein forms D531Y.
Identifiers: ClinVar variation 4994190 (VCV004994190.1).

ClinVar aggregate classification (germline): Uncertain significance (1 of 4 stars; one submission).

Conditions:
SIM1-related disorder. Also called: SIM1-related disorders; SIM1-related condition.

Submission:

PreventionGenetics, part of Exact Sciences
Classification: Uncertain significance for SIM1-related condition. Last evaluated: 2025-10-10. Review status: criteria provided, single submitter. Criteria: ACMG Guidelines, 2015. Collection method: clinical testing. Allele origin: germline.
Comment: The SIM1 c.1591G>T variant is predicted to result in the amino acid substitution p.Asp531Tyr. To our knowledge, this variant has not been reported in the literature or in a large population database (gnomAD), indicating this variant is rare. At this time, the clinical significance of this variant is uncertain due to the absence of conclusive functional and genetic evidence.